The following is an entry in ClinVar:

NM_001023570.4(IQCB1):c.118C>T (p.Pro40Ser)

Gene: IQCB1 (IQ motif containing B1; minus strand). Cytogenetic location: 3q13.33.
Variant type: single nucleotide variant.
Coding change: c.118C>T on transcript NM_001023570.4 (MANE Select); coding-DNA position 118, C replaced by T.
Protein change: p.Pro40Ser; replaces proline 40 with serine.
Molecular consequence: missense variant. On other transcripts: non-coding transcript variant (1).
Genome position (GRCh38, 1-based): chr3:121,828,615, G>A on the plus strand (C>T on the coding strand, the complement: IQCB1 is on the minus strand). VCF-style: chr3-121828615-G-A. GRCh37 (hg19) VCF-style: chr3-121547462-G-A.
Other names: c.118C>T, p.Pro40Ser (NM_001023571.4, NM_001319107.2); short protein forms P40S.
Identifiers: ClinVar variation 841156 (VCV000841156.8), dbSNP rs750396752, ClinGen allele CA2567507.
Genomic context (GRCh38, chr3:121,828,615, plus strand): 5'-GAATGAGATCATAACAATATATATCTTGTTTGATTTTCTTCAACTCTGAGCTTCCTAAAG[G>A]TGTGATGTTTATTATTTCTAAGGCAAAAGGAAATAAGATATATTTATTTTTGCTTAATAC-3'
Protein context (NP_001018864.2, residues 30-50): LKLKEIINIT[Pro40Ser]LGSSELKKIK

ClinVar aggregate classification (germline): Uncertain significance. Review status: criteria provided, multiple submitters, no conflicts (2 of 4 stars). 3 submissions from 3 submitters: Uncertain significance (3). Last evaluated 2025-06-09.

Conditions:
Nephronophthisis. Also called: Juvenile Nephronophthisis. Identifiers: Orphanet 655, MedGen C0687120, MONDO:0019005, HP:0000090.
Inborn genetic diseases. Identifiers: MedGen C0950123, MeSH D030342.
Senior-Loken syndrome 5 (SLSN5). Identifiers: Orphanet 3156, MedGen C1836517, MONDO:0012225, OMIM 609254.

Allele frequency attached by ClinVar (database versions not stated): gnomAD 0.00003 and 0.00004; TOPMed 0.00005.
gnomAD v4.1: 39 of 1,598,940 alleles (0.0024%); highest among the groups gnomAD compares: Admixed American, 0.017%; no homozygotes.

Submissions (3):

Ambry Genetics
Classification: Uncertain significance for Inborn genetic diseases. Last evaluated: 2025-06-09. Review status: criteria provided, single submitter. Criteria: Ambry Variant Classification Scheme 2023. Collection method: clinical testing. Allele origin: germline.

Labcorp Genetics (formerly Invitae), Labcorp
Classification: Uncertain significance for Nephronophthisis. Last evaluated: 2024-01-02. Review status: criteria provided, single submitter. Criteria: Invitae Variant Classification Sherloc (09022015). Collection method: clinical testing. Allele origin: germline.
Comment: This sequence change replaces proline, which is neutral and non-polar, with serine, which is neutral and polar, at codon 40 of the IQCB1 protein (p.Pro40Ser). This variant is present in population databases (rs750396752, gnomAD 0.02%). This variant has not been reported in the literature in individuals affected with IQCB1-related conditions. ClinVar contains an entry for this variant (Variation ID: 841156). Advanced modeling of protein sequence and biophysical properties (such as structural, functional, and spatial information, amino acid conservation, physicochemical variation, residue mobility, and thermodynamic stability) performed at Invitae indicates that this missense variant is not expected to disrupt IQCB1 protein function with a negative predictive value of 80%. In summary, the available evidence is currently insufficient to determine the role of this variant in disease. Therefore, it has been classified as a Variant of Uncertain Significance.

Fulgent Genetics
Classification: Uncertain significance for Senior-Loken syndrome 5. Last evaluated: 2022-04-12. Review status: criteria provided, single submitter. Criteria: ACMG Guidelines, 2015. Collection method: clinical testing. Allele origin: unknown.